The following is an entry in ClinVar:

NM_000360.4(TH):c.1402G>A (p.Val468Met)

Gene: TH (tyrosine hydroxylase; minus strand). Cytogenetic location: 11p15.5.
Variant type: single nucleotide variant.
Coding change: c.1402G>A on transcript NM_000360.4 (MANE Select); coding-DNA position 1402, G replaced by A.
Protein change: p.Val468Met; replaces valine 468 with methionine.
Molecular consequence: missense variant.
Genome position (GRCh38, 1-based): chr11:2,164,325, C>T on the plus strand (G>A on the coding strand, the complement: TH is on the minus strand). VCF-style: chr11-2164325-C-T. GRCh37 (hg19) VCF-style: chr11-2185555-C-T.
Other names: c.1495G>A, p.Val499Met (NM_199292.3); c.1483G>A, p.Val495Met (NM_199293.3); short protein forms V499M, V468M, V495M.
Identifiers: ClinVar variation 412030 (VCV000412030.24), dbSNP rs1800033, ClinGen allele CA5818247.

ClinVar aggregate classification (germline): Conflicting classifications of pathogenicity. Review status: criteria provided, conflicting classifications (1 of 4 stars). 8 submissions from 8 submitters: Pathogenic (1); Likely pathogenic (2); Uncertain significance (5). Last evaluated 2026-01-31.

Conditions:
Inborn genetic diseases. Identifiers: MedGen C0950123, MeSH D030342.
TH-deficient dopa-responsive dystonia. Also called: Tyrosine Hydroxylase-Deficient Dopa-Responsive Dystonia; DYT-TH; Segawa syndrome, autosomal recessive. Identifiers: Orphanet 101150, MedGen C2673535, MONDO:0011551, OMIM 605407.

Allele frequency attached by ClinVar (database versions not stated): gnomAD 0.00004 and 0.00006; TOPMed 0.00008; gnomAD exomes 0.00009 and 0.00012; ExAC 0.00015; 1000 Genomes Project 0.00060; 1000 Genomes Project 30x 0.00062.
gnomAD v4.1: 132 of 1,539,918 alleles (0.0086%); highest among the groups gnomAD compares: East Asian, 0.27%; no homozygotes.

Submissions (8):

Labcorp Genetics (formerly Invitae), Labcorp
Classification: Pathogenic for TH-deficient dopa-responsive dystonia. Last evaluated: 2026-01-31. Review status: criteria provided, single submitter. Criteria: Invitae Variant Classification Sherloc (09022015). Collection method: clinical testing. Allele origin: germline.
Comment: This sequence change replaces valine, which is neutral and non-polar, with methionine, which is neutral and non-polar, at codon 499 of the TH protein (p.Val499Met). This variant is present in population databases (rs1800033, gnomAD 0.1%). This missense change has been observed in individuals with clinical features of TH-related conditions and/or TH-deficient dopa-responsive dystonia (PMID: 29724574, 33072517, 34054692). It has also been observed to segregate with disease in related individuals. This variant is also known as p.Val468Met. ClinVar contains an entry for this variant (Variation ID: 412030). Invitae Evidence Modeling of protein sequence and biophysical properties (such as structural, functional, and spatial information, amino acid conservation, physicochemical variation, residue mobility, and thermodynamic stability) has been performed for this missense variant. However, the output from this modeling did not meet the statistical confidence thresholds required to predict the impact of this variant on TH protein function. For these reasons, this variant has been classified as Pathogenic.

Natera, Inc.
Classification: Likely pathogenic for Autosomal recessive Segawa syndrome. Last evaluated: 2025-09-23. Review status: criteria provided, single submitter. Criteria: Natera Variant Classification Schema (03/2026). Collection method: clinical testing. Allele origin: germline.
Comment: The c.1495G>A variant in TH is a missense variant predicted to cause substitution of valine to methionine at amino acid 499. The frequency of this variant in the general population is greater than expected for disorder. This variant has been observed in one or more individuals affected with the associated recessive disease, as either homozygous or compound heterozygous with a second variant (PMID: 34054692, 33072517). Additionally, this variant has been observed to segregate in affected family members (PMID: 33072517). This variant has been identified in one or more affected individual with a phenotype highly consistent with the associated gene (PMID: 33072517). Computational prediction algorithms indicate this variant is likely to affect gene or protein function. Given the available evidence, this variant is classified as Likely Pathogenic.

Women's Health and Genetics/Laboratory Corporation of America, LabCorp
Classification: Likely pathogenic for TH-deficient dopa-responsive dystonia. Last evaluated: 2024-11-20. Review status: criteria provided, single submitter. Criteria: LabCorp Variant Classification Summary - May 2015. Collection method: clinical testing. Allele origin: germline.
Comment: Variant summary: TH c.1495G>A (p.Val499Met) results in a conservative amino acid change located in the Biopterin-dependent aromatic amino acid hydroxylase domain (IPR019774) of the encoded protein sequence. Four of five in-silico tools predict a damaging effect of the variant on protein function. The variant allele was found at a frequency of 8.6e-05 in 1539918 control chromosomes representing the global population. This frequency is not significantly higher than estimated for a pathogenic variant in TH causing Segawa Syndrome, Autosomal Recessive (8.6e-05 vs 0.0011), however it exists predominantly in the East Asian subpopulation (approximately 2.41-fold the maximum pathogenic allele frequency). c.1495G>A has been reported in the literature in trans with a pathogenic variant in 3 siblings and in the presumed compound heterozygous state in 1 isolated individual affected with clinical features of Segawa Syndrome or Dystonia (Lee_2020, Li_2021), demonstrating segregation with disease. These data indicate that the variant is likely to be associated with disease. To our knowledge, no experimental evidence demonstrating an impact on protein function has been reported. The following publications have been ascertained in the context of this evaluation (PMID: 33072517, 34054692, 29724574). ClinVar contains an entry for this variant (Variation ID: 412030). Based on the evidence outlined above, the variant was classified as likely pathogenic.

Baylor Genetics
Classification: Uncertain significance for TH-deficient dopa-responsive dystonia. Last evaluated: 2024-02-21. Review status: criteria provided, single submitter. Criteria: ACMG Guidelines, 2015. Collection method: clinical testing. Allele origin: unknown.

Revvity Omics, Revvity
Classification: Uncertain significance for TH-deficient dopa-responsive dystonia. Last evaluated: 2024-02-02. Review status: criteria provided, single submitter. Criteria: ACMG Guidelines, 2015. Collection method: clinical testing. Allele origin: germline.

Illumina Laboratory Services, Illumina
Classification: Uncertain significance for TH-deficient dopa-responsive dystonia. Last evaluated: 2018-01-13. Review status: criteria provided, single submitter. Criteria: ICSL Variant Classification Criteria 13 December 2019. Collection method: clinical testing. Allele origin: germline.

Ambry Genetics
Classification: Uncertain significance for Inborn genetic diseases. Last evaluated: 2017-04-11. Review status: criteria provided, single submitter. Criteria: Ambry exome assertion method (8-5-2015). Collection method: clinical testing. Allele origin: germline. Affected: yes. Observed: 1 variant allele.

Juno Genomics, Hangzhou Juno Genomics, Inc
Classification: Uncertain significance for TH-deficient dopa-responsive dystonia. Review status: criteria provided, single submitter. Criteria: ACMG Guidelines, 2015. Collection method: clinical testing. Allele origin: germline.
Comment: For recessive disorders, detected in trans with a pathogenic variant.;Patient's phenotype or family history is highly specific for a disease with a single genetic etiology.;Co-segregation with disease in multiple affected family members.

Literature cited by the submitters: PubMed 29724574 (cited by Labcorp Genetics (formerly Invitae), Labcorp and Women's Health and Genetics/Laboratory Corporation of America, LabCorp); PubMed 33072517 (cited by 3 submitters); PubMed 34054692 (cited by 3 submitters).